The following is an entry in ClinVar:

NM_002294.3(LAMP2):c.1105A>G (p.Ser369Gly)

Gene: LAMP2 (lysosome associated membrane protein 2; minus strand). Cytogenetic location: Xq24.
Variant type: single nucleotide variant.
Coding change: c.1105A>G on transcript NM_002294.3 (MANE Select); coding-DNA position 1105, A replaced by G.
Protein change: p.Ser369Gly; replaces serine 369 with glycine.
Molecular consequence: missense variant. On other transcripts: intron variant (1).
Genome position (GRCh38, 1-based): chrX:120,431,451, T>C on the plus strand (A>G on the coding strand, the complement: LAMP2 is on the minus strand). VCF-style: chrX-120431451-T-C. GRCh37 (hg19) VCF-style: chrX-119565306-T-C.
Other names: c.1094-2825A>G (NM_001122606.1); short protein forms S369G.
Identifiers: ClinVar variation 1793520 (VCV001793520.4), dbSNP rs1425805718, ClinGen allele CA414398408.

ClinVar aggregate classification (germline): Uncertain significance. Review status: criteria provided, multiple submitters, no conflicts (2 of 4 stars). 2 submissions from 2 submitters: Uncertain significance (2). Last evaluated 2025-03-05.

Conditions:
Danon disease. Also called: ANTOPOL DISEASE; PSEUDOGLYCOGENOSIS II; Glycogen Storage Disease Type IIb; GSD IIb; LYSOSOMAL GLYCOGEN STORAGE DISEASE WITHOUT ACID MALTASE DEFICIENCY. Identifiers: Orphanet 34587, MedGen C0878677, MONDO:0010281, OMIM 300257.
Cardiovascular phenotype. Identifiers: MedGen CN230736.

gnomAD v4.1: 1 of 1,208,395 alleles (0.000083%); no homozygotes.

Submissions (2):

Labcorp Genetics (formerly Invitae), Labcorp
Classification: Uncertain significance for Danon disease. Last evaluated: 2025-03-05. Review status: criteria provided, single submitter. Criteria: Invitae Variant Classification Sherloc (09022015). Collection method: clinical testing. Allele origin: germline.
Comment: This sequence change replaces serine, which is neutral and polar, with glycine, which is neutral and non-polar, at codon 369 of the LAMP2 protein (p.Ser369Gly). This variant is present in population databases (no rsID available, gnomAD no frequency), including at least one homozygous and/or hemizygous individual. This variant has not been reported in the literature in individuals affected with LAMP2-related conditions. ClinVar contains an entry for this variant (Variation ID: 1793520). Invitae Evidence Modeling of protein sequence and biophysical properties (such as structural, functional, and spatial information, amino acid conservation, physicochemical variation, residue mobility, and thermodynamic stability) indicates that this missense variant is expected to disrupt LAMP2 protein function with a positive predictive value of 80%. In summary, the available evidence is currently insufficient to determine the role of this variant in disease. Therefore, it has been classified as a Variant of Uncertain Significance.

Ambry Genetics
Classification: Uncertain significance for Cardiovascular phenotype. Last evaluated: 2022-09-26. Review status: criteria provided, single submitter. Criteria: Ambry Variant Classification Scheme 2023. Collection method: clinical testing. Allele origin: germline.
Comment: The p.S369G variant (also known as c.1105A>G), located in coding exon 9 of the LAMP2 gene, results from an A to G substitution at nucleotide position 1105. The serine at codon 369 is replaced by glycine, an amino acid with similar properties. Based on data from gnomAD, the G allele has an overall frequency of 0.0006% (1/181104) total alleles studied, with 1 hemizygote observed. This amino acid position is not well conserved in available vertebrate species. In addition, this alteration is predicted to be tolerated by in silico analysis. Since supporting evidence is limited at this time, the clinical significance of this alteration remains unclear.